The following is an entry in ClinVar:

NM_014795.4(ZEB2):c.383C>T (p.Thr128Ile)

Gene: ZEB2 (zinc finger E-box binding homeobox 2; minus strand). Cytogenetic location: 2q22.3.
Variant type: single nucleotide variant.
Coding change: c.383C>T on transcript NM_014795.4 (MANE Select); coding-DNA position 383, C replaced by T.
Protein change: p.Thr128Ile; replaces threonine 128 with isoleucine.
Molecular consequence: missense variant. On other transcripts: intron variant (1).
Genome position (GRCh38, 1-based): chr2:144,424,816, G>A on the plus strand (C>T on the coding strand, the complement: ZEB2 is on the minus strand). VCF-style: chr2-144424816-G-A. GRCh37 (hg19) VCF-style: chr2-145182383-G-A.
Other names: c.331+4953C>T (NM_001171653.2); short protein forms T128I.
Identifiers: ClinVar variation 3361437 (VCV003361437.2).

ClinVar aggregate classification (germline): Uncertain significance. Review status: criteria provided, multiple submitters, no conflicts (2 of 4 stars). 2 submissions from 2 submitters: Uncertain significance (2). Last evaluated 2025-10-17.

Conditions:
Mowat-Wilson syndrome (MOWS). Also called: Classic Mowat-Wilson Syndrome. Identifiers: Orphanet 2152, MedGen C1856113, MONDO:0009341, OMIM 235730.

gnomAD v4.1: 3 of 1,613,940 alleles (0.00019%); highest among the groups gnomAD compares: Non-Finnish European, 0.00017%; no homozygotes.

Submissions (2):

Labcorp Genetics (formerly Invitae), Labcorp
Classification: Uncertain significance for Mowat-Wilson syndrome. Last evaluated: 2025-10-17. Review status: criteria provided, single submitter. Criteria: Invitae Variant Classification Sherloc (09022015). Collection method: clinical testing. Allele origin: germline.
Comment: This sequence change replaces threonine, which is neutral and polar, with isoleucine, which is neutral and non-polar, at codon 128 of the ZEB2 protein (p.Thr128Ile). This variant is not present in population databases (gnomAD no frequency). This variant has not been reported in the literature in individuals affected with ZEB2-related conditions. ClinVar contains an entry for this variant (Variation ID: 3361437). An algorithm developed to predict the effect of missense changes on protein structure and function (PolyPhen-2) suggests that this variant is likely to be tolerated. In summary, the available evidence is currently insufficient to determine the role of this variant in disease. Therefore, it has been classified as a Variant of Uncertain Significance.

GeneDx
Classification: Uncertain significance. Last evaluated: 2023-07-28. Review status: criteria provided, single submitter. Criteria: GeneDx Variant Classification Process June 2021. Collection method: clinical testing. Allele origin: germline. Affected: yes.
Comment: Not observed at significant frequency in large population cohorts (gnomAD); In silico analysis supports that this missense variant does not alter protein structure/function; Has not been previously published as pathogenic or benign to our knowledge